The following is an entry in ClinVar:

ClinVar aggregate classification (germline): Uncertain significance (0 of 4 stars; one submission).

Conditions:
PTCHD1-related disorder. Also called: PTCHD1-related condition.

gnomAD v4.1: 1 of 1,211,588 alleles (0.000083%); no homozygotes.

Submission:

PreventionGenetics, part of Exact Sciences
Classification: Uncertain significance for PTCHD1-related condition. Last evaluated: 2024-04-16. Review status: no assertion criteria provided. Collection method: clinical testing. Allele origin: germline.
Comment: The PTCHD1 c.1510G>T variant is predicted to result in the amino acid substitution p.Val504Leu. To our knowledge, this variant has not been reported in the literature or in a large population database, indicating this variant is rare. At this time, the clinical significance of this variant is uncertain due to the absence of conclusive functional and genetic evidence.

NM_173495.3(PTCHD1):c.1510G>T (p.Val504Leu)

Gene: PTCHD1 (patched domain containing 1; plus strand). Cytogenetic location: Xp22.11.
Variant type: single nucleotide variant.
Coding change: c.1510G>T on transcript NM_173495.3 (MANE Select); coding-DNA position 1510, G replaced by T.
Protein change: p.Val504Leu; replaces valine 504 with leucine.
Molecular consequence: missense variant.
Genome position (GRCh38, 1-based): chrX:23,393,028, G>T. VCF-style: chrX-23393028-G-T. GRCh37 (hg19) VCF-style: chrX-23411145-G-T.
Other names: short protein forms V504L.
Identifiers: ClinVar variation 3350178 (VCV003350178.1).
Genomic context (GRCh38, chrX:23,393,028, plus strand): 5'-GTATGTTTCCTCAAACGCTATTACTGTGACTGGATAACCAACACCTATGTCAAGCCTTTT[G>T]TAGTTCTCTTTTACCTTATTTATATTTCCTTTGCCTTAATGGGCTATCTGCAGGTCAGTG-3'
Protein context (NP_775766.2, residues 494-514): WITNTYVKPF[Val504Leu]VLFYLIYISF